The following is an entry in ClinVar:

NM_014283.5(SUCO):c.3174-13C>A

Gene: SUCO (SUN domain containing ossification factor; plus strand). Cytogenetic location: 1q24.3.
Variant type: single nucleotide variant.
Coding change: c.3174-13C>A on transcript NM_014283.5 (MANE Select); 13 bases into the intron before coding-DNA position 3174, C replaced by A.
Molecular consequence: intron variant.
Genome position (GRCh38, 1-based): chr1:172,602,683, C>A. VCF-style: chr1-172602683-C-A. GRCh37 (hg19) VCF-style: chr1-172571823-C-A.
Other names: c.3627-13C>A (NM_016227.4); c.1485-13C>A (NM_001282751.2); c.2061-13C>A (NM_001282750.2).
Identifiers: ClinVar variation 3608928 (VCV003608928.2).

ClinVar aggregate classification (germline): Uncertain significance (1 of 4 stars; one submission).

Submission:

Labcorp Genetics (formerly Invitae), Labcorp
Classification: Uncertain significance. Last evaluated: 2025-01-09. Review status: criteria provided, single submitter. Criteria: Invitae Variant Classification Sherloc (09022015). Collection method: clinical testing. Allele origin: germline.
Comment: This sequence change falls in intron 21 of the SUCO gene. It does not directly change the encoded amino acid sequence of the SUCO protein. This variant is not present in population databases (gnomAD no frequency). This variant has not been reported in the literature in individuals affected with SUCO-related conditions. Algorithms developed to predict the effect of sequence changes on RNA splicing suggest that this variant may disrupt the consensus splice site. In summary, the available evidence is currently insufficient to determine the role of this variant in disease. Therefore, it has been classified as a Variant of Uncertain Significance.